The following is an entry in ClinVar:

ClinVar aggregate classification (germline): Conflicting classifications of pathogenicity. Review status: criteria provided, conflicting classifications (1 of 4 stars). 4 submissions from 4 submitters: Pathogenic (1); Uncertain significance (1). 2 of the submissions do not count toward it. Last evaluated 2022-08-27.
ClinVar aggregate classification (oncogenicity): Oncogenic (1 of 4 stars; one submission).

Conditions:
EGFR-related lung cancer (EGFR). Identifiers: MedGen CN130014.
Lung adenocarcinoma. Also called: Adenocarcinoma of lung, somatic; Adenocarcinoma of lung. Identifiers: MedGen C0152013, MeSH D000077192, MONDO:0005061, HP:0030078.
Tyrosine kinase inhibitor response. Also called: Protein-tyrosine kinase inhibitor response. Identifiers: MedGen CN225347.
Neoplasm. Also called: tumor; Neoplasms; Neoplasm (disease). Identifiers: MedGen C0027651, MeSH D009369, MONDO:0005070, HP:0002664.

Submissions (5):

Center for Genomic Medicine, Rigshospitalet, Copenhagen University Hospital
Classification: Oncogenic for Neoplasm. Last evaluated: 2025-03-04. Review status: criteria provided, single submitter. Criteria: ClinGen/CGC/VICC Guidelines for Oncogenicity, 2022. Collection method: clinical testing. Allele origin: somatic. Affected: yes.

Labcorp Genetics (formerly Invitae), Labcorp
Classification: Uncertain significance for EGFR-related lung cancer. Last evaluated: 2022-08-27. Review status: criteria provided, single submitter. Criteria: Invitae Variant Classification Sherloc (09022015). Collection method: clinical testing. Allele origin: germline.
Comment: In summary, the available evidence is currently insufficient to determine the role of this variant in disease. Therefore, it has been classified as a Variant of Uncertain Significance. Experimental studies and prediction algorithms are not available or were not evaluated, and the functional significance of this variant is currently unknown. ClinVar contains an entry for this variant (Variation ID: 163343). While this variant has not been reported in the germline of individuals with EGFR-related disease, it is a commonly reported somatic change in lung cancer (PMID: 26066407, 29228562). This variant is not present in population databases (gnomAD no frequency). This variant, c.2235_2249del, results in the deletion of 5 amino acid(s) of the EGFR protein (p.Glu746_Ala750del), but otherwise preserves the integrity of the reading frame.

Liquid Biopsy and Cancer Interception Group, Pfizer-University of Granada-Junta de Andalucía Centre for Genomics and Oncological Research
Classification: Pathogenic for Lung adenocarcinoma. Last evaluated: 2022-06-06. Review status: criteria provided, single submitter. Criteria: AMP Guidelines, 2017. Collection method: research. Allele origin: somatic. Affected: yes. Observed: 1 variant allele.

Laboratory for Molecular Medicine, Mass General Brigham Personalized Medicine
Classification: drug response for Tyrosine kinase inhibitor response. Last evaluated: 2006-10-28. Review status: no assertion criteria provided. Collection method: clinical testing. Allele origin: somatic. Observed: 149 variant alleles. Not counted in ClinVar's aggregate classification.

Key Laboratory of Carcinogenesis and Cancer Invasion, Central South University
Classification: Likely pathogenic for Adenocarcinoma of lung. Review status: no assertion criteria provided. Collection method: clinical testing. Allele origin: somatic. Affected: yes. Not counted in ClinVar's aggregate classification.

Literature cited by the submitters: PubMed 16373402 (cited by Center for Genomic Medicine, Rigshospitalet, Copenhagen University Hospital); PubMed 16912195 (cited by Center for Genomic Medicine, Rigshospitalet, Copenhagen University Hospital); PubMed 29533785 (cited by Center for Genomic Medicine, Rigshospitalet, Copenhagen University Hospital); PubMed 29247016 (cited by Center for Genomic Medicine, Rigshospitalet, Copenhagen University Hospital); PubMed 26619011 (cited by Center for Genomic Medicine, Rigshospitalet, Copenhagen University Hospital); PubMed 26066407 (cited by Labcorp Genetics (formerly Invitae), Labcorp); PubMed 29228562 (cited by Labcorp Genetics (formerly Invitae), Labcorp); PubMed 15118125 (cited by Laboratory for Molecular Medicine, Mass General Brigham Personalized Medicine); PubMed 15118073 (cited by Laboratory for Molecular Medicine, Mass General Brigham Personalized Medicine).

NM_005228.5(EGFR):c.2235_2249del (p.Glu746_Ala750del)

Gene: EGFR (epidermal growth factor receptor; plus strand). Cytogenetic location: 7p11.2.
Variant type: Deletion.
Coding change: c.2235_2249del on transcript NM_005228.5 (MANE Select); coding-DNA positions 2235 to 2249, 15 bases deleted (GGAATTAAGAGAAGC).
Protein change: p.Glu746_Ala750del.
Molecular consequence: inframe deletion.
Genome position (GRCh38, 1-based): chr7:55,174,772-55,174,786, GGAATTAAGAGAAGC deleted. VCF-style (leftmost placement, unchanged base first): chr7-55174771-AGGAATTAAGAGAAGC-A. GRCh37 (hg19) VCF-style: chr7-55242464-AGGAATTAAGAGAAGC-A.
Other names: c.2100_2114del, p.Glu701_Ala705del (NM_001346897.2, NM_001346899.2); c.2235_2249del, p.Glu746_Ala750del (NM_001346898.2); c.2076_2090del, p.Glu693_Ala697del (NM_001346900.2); c.1434_1448del, p.Glu479_Ala483del (NM_001346941.2); c.2235_2249delGGAATTAAGAGAAGC (NM_005228.5).
Identifiers: ClinVar variation 163343 (VCV000163343.17), dbSNP rs121913421, ClinGen allele CA175996.